The following is an entry in ClinVar:

NM_022089.4(ATP13A2):c.*156G>A

Gene: ATP13A2 (ATPase cation transporting 13A2; minus strand). Cytogenetic location: 1p36.13.
Variant type: single nucleotide variant.
Coding change: c.*156G>A on transcript NM_022089.4 (MANE Select); 156 bases downstream of the stop codon, G replaced by A.
Molecular consequence: 3 prime UTR variant. On other transcripts: missense variant (1).
Genome position (GRCh38, 1-based): chr1:16,986,065, C>T on the plus strand (G>A on the coding strand, the complement: ATP13A2 is on the minus strand). VCF-style: chr1-16986065-C-T. GRCh37 (hg19) VCF-style: chr1-17312560-C-T.
Other names: c.*156G>A (NM_001141973.3); c.3397G>A, p.Val1133Ile (NM_001141974.3); short protein forms V1133I.
Identifiers: ClinVar variation 2672326 (VCV002672326.23), dbSNP rs542270701, ClinGen allele CA636414.

ClinVar aggregate classification (germline): Uncertain significance (1 of 4 stars; one submission).

Allele frequency attached by ClinVar (database versions not stated): gnomAD exomes 0.00020; gnomAD 0.00025; TOPMed 0.00028; ExAC 0.00009.
gnomAD v4.1: 311 of 1,516,166 alleles (0.021%); highest among the groups gnomAD compares: African/African-American, 0.031%; no homozygotes.

Submission:

CeGaT Center for Human Genetics Tuebingen
Classification: Uncertain significance. Last evaluated: 2026-05-01. Review status: criteria provided, single submitter. Criteria: CeGaT Center For Human Genetics Tuebingen Variant Classification Criteria Version 2. Collection method: clinical testing. Allele origin: germline. Affected: yes. Observed: 2 variant alleles.
Comment: ATP13A2: PM2, PP3